The following is an entry in ClinVar:

ClinVar aggregate classification (germline): Conflicting classifications of pathogenicity. Review status: criteria provided, conflicting classifications (1 of 4 stars). 9 submissions from 9 submitters: Pathogenic (1); Likely pathogenic (1); Uncertain significance (6). 1 of the submissions does not count toward it. Last evaluated 2026-03-30.

Conditions:
CFTR-related disorder (CFTR-RD). Also called: CFTR-related disorders; CFTR-related condition. Identifiers: MedGen C5924204, MONDO:7770004.
Cystic fibrosis (CF). Also called: MUCOVISCIDOSIS. Identifiers: Orphanet 586, MedGen C0010674, MONDO:0009061, OMIM 219700. Disease mechanism: loss of function.
Obstructive azoospermia. Identifiers: MedGen C4023106, HP:0011962.

Allele frequency attached by ClinVar (database versions not stated): TOPMed 0.00001.
gnomAD v4.1: 27 of 1,613,920 alleles (0.0017%); highest among the groups gnomAD compares: Admixed American, 0.0033%; no homozygotes.

Submissions (9):

Women's Health and Genetics/Laboratory Corporation of America, LabCorp
Classification: Uncertain significance. Last evaluated: 2026-03-30. Review status: criteria provided, single submitter. Criteria: LabCorp Variant Classification Summary - May 2015. Collection method: clinical testing. Allele origin: germline.
Comment: Variant summary: CFTR c.2758G>T (p.Val920Leu) results in a conservative amino acid change located in the ABC transporter type 1, transmembrane domain (IPR011527) of the encoded protein sequence. Algorithms developed to predict the effect of missense changes on protein structure and function are either unavailable or do not agree on the potential impact of this missense change. The variant allele was found at a frequency of 2.4e-05 in 292466 control chromosomes. c.2758G>T has been observed in individuals affected with CBAVD or infertility who carried a second pathogenic variant without confirmation that the variants were in trans (e.g. Sickkids database, Rudnik-Schoneborn_2021, Wyrwoll_2022), as well as individuals with conditions related to Cystic Fibrosis but without a second pathogenic variant identified (e.g. Divac_2005, Seia_2009, Basaran_2019, Han_2024). These reports do not provide unequivocal conclusions about association of the variant with Cystic Fibrosis. At least one publication reports experimental evidence evaluating an impact on protein function (Bihler_2024). The most pronounced variant effect results in approximately 12% of normal chloride channel conductance relative to wild type. The following publications have been ascertained in the context of this evaluation (PMID: 15618592, 16126774, 19318035, 26755536, 33572515, 33374015, 31655510, 35690514, 38388235, 38590877). ClinVar contains an entry for this variant (Variation ID: 53562). Based on the evidence outlined above, the variant was classified as VUS-possibly pathogenic.

CeGaT Center for Human Genetics Tuebingen
Classification: Uncertain significance. Last evaluated: 2025-07-01. Review status: criteria provided, single submitter. Criteria: CeGaT Center For Human Genetics Tuebingen Variant Classification Criteria Version 2. Collection method: clinical testing. Allele origin: germline. Affected: yes. Observed: 2 variant alleles.
Comment: CFTR: PM2, PM5:Supporting

Blueprint Genetics
Classification: Likely pathogenic for CFTR-related disorders. Last evaluated: 2024-10-30. Review status: criteria provided, single submitter. Criteria: ACMG Guidelines, 2015. Collection method: clinical testing. Allele origin: germline. Affected: yes. Observed: 5 variant alleles.

Mayo Clinic Laboratories, Mayo Clinic
Classification: Uncertain significance. Last evaluated: 2023-10-31. Review status: criteria provided, single submitter. Criteria: ACMG Guidelines, 2015. Collection method: clinical testing. Allele origin: germline. Observed: 1 variant allele.
Comment: PM2_moderate

Ambry Genetics
Classification: Uncertain significance for Cystic fibrosis. Last evaluated: 2023-05-04. Review status: criteria provided, single submitter. Criteria: Ambry Variant Classification Scheme 2023. Collection method: clinical testing. Allele origin: germline.
Comment: The p.V920L variant (also known as c.2758G>T), located in coding exon 17 of the CFTR gene, results from a G to T substitution at nucleotide position 2758. The valine at codon 920 is replaced by leucine, an amino acid with highly similar properties. This variant was identified in conjunction with p.R1162* in an infant with an abnormal newborn screen and negative sweat chloride levels; phase information was not provided (Castellani C et al. Arch. Dis. Child., 2017 07;102:644-646). This variant has been identified in two individuals with bronchiectasis; however, no second pathogenic CFTR variants were identified (Divac A et al. Thorax, 2005 Jan;60:85; Seia M et al. Clin. Biochem., 2009 May;42:611-6). This amino acid position is highly conserved in available species. In addition, this alteration is predicted to be deleterious by in silico analysis. Since supporting evidence is limited at this time, the clinical significance of this alteration remains unclear.

Labcorp Genetics (formerly Invitae), Labcorp
Classification: Uncertain significance for Cystic fibrosis. Last evaluated: 2022-10-09. Review status: criteria provided, single submitter. Criteria: Invitae Variant Classification Sherloc (09022015). Collection method: clinical testing. Allele origin: germline.
Comment: This sequence change replaces valine, which is neutral and non-polar, with leucine, which is neutral and non-polar, at codon 920 of the CFTR protein (p.Val920Leu). This variant is present in population databases (rs373885282, gnomAD 0.005%). This missense change has been observed in individual(s) with CFTR-related conditions (PMID: 15618592, 19318035, 26755536). ClinVar contains an entry for this variant (Variation ID: 53562). Advanced modeling of protein sequence and biophysical properties (such as structural, functional, and spatial information, amino acid conservation, physicochemical variation, residue mobility, and thermodynamic stability) performed at Invitae indicates that this missense variant is expected to disrupt CFTR protein function. In summary, the available evidence is currently insufficient to determine the role of this variant in disease. Therefore, it has been classified as a Variant of Uncertain Significance.

Institute of Reproductive Genetics, University of Münster
Classification: Pathogenic for Obstructive azoospermia. Last evaluated: 2022-03-16. Review status: criteria provided, single submitter. Criteria: ACMG Guidelines, 2015. Collection method: clinical testing. Allele origin: germline. Affected: yes. Observed: 1 variant allele.

Eurofins Ntd Llc (ga)
Classification: Uncertain significance. Last evaluated: 2017-03-13. Review status: criteria provided, single submitter. Criteria: EGL Classification Definitions 2015. Collection method: clinical testing. Allele origin: germline. Observed: 1 variant allele, 1 heterozygote.

ClinVar Staff, National Center for Biotechnology Information (NCBI)
No classification provided. Condition: CFTR-related disorders. Review status: no classification provided. Collection method: literature only. Allele origin: germline. Affected: yes. Not counted in ClinVar's aggregate classification.

Literature cited by the submitters: PubMed 15618592 (cited by 4 submitters); PubMed 16126774 (cited by 3 submitters); PubMed 19318035 (cited by 4 submitters); PubMed 26755536 (cited by 4 submitters); PubMed 33572515 (cited by Women's Health and Genetics/Laboratory Corporation of America, LabCorp and Mayo Clinic Laboratories, Mayo Clinic); PubMed 33374015 (cited by Women's Health and Genetics/Laboratory Corporation of America, LabCorp and Mayo Clinic Laboratories, Mayo Clinic); PubMed 31655510 (cited by Women's Health and Genetics/Laboratory Corporation of America, LabCorp and Mayo Clinic Laboratories, Mayo Clinic); PubMed 35690514 (cited by Women's Health and Genetics/Laboratory Corporation of America, LabCorp and Mayo Clinic Laboratories, Mayo Clinic); PubMed 38388235 (cited by Women's Health and Genetics/Laboratory Corporation of America, LabCorp); PubMed 38590877 (cited by Women's Health and Genetics/Laboratory Corporation of America, LabCorp); PubMed 19897426 (cited by Mayo Clinic Laboratories, Mayo Clinic and Ambry Genetics); PubMed 20059485 (cited by 3 submitters); PubMed 26277102 (cited by Mayo Clinic Laboratories, Mayo Clinic); PubMed 35913788 (cited by Mayo Clinic Laboratories, Mayo Clinic).

NM_000492.4(CFTR):c.2758G>T (p.Val920Leu)

Gene: CFTR (CF transmembrane conductance regulator; plus strand). Cytogenetic location: 7q31.2.
Variant type: single nucleotide variant.
Coding change: c.2758G>T on transcript NM_000492.4 (MANE Select); coding-DNA position 2758, G replaced by T.
Protein change: p.Val920Leu; replaces valine 920 with leucine.
Molecular consequence: missense variant.
Genome position (GRCh38, 1-based): chr7:117,603,632, G>T. VCF-style: chr7-117603632-G-T. GRCh37 (hg19) VCF-style: chr7-117243686-G-T.
Other names: p.Val920Leu; short protein forms V920L.
Identifiers: ClinVar variation 53562 (VCV000053562.57), dbSNP rs373885282, ClinGen allele CA326918.